The following is an entry in ClinVar:

ClinVar aggregate classification (germline): Uncertain significance (1 of 4 stars; one submission).

Conditions:
GRIN2D-related disorder. Also called: GRIN2D-related condition.

Submission:

PreventionGenetics, part of Exact Sciences
Classification: Uncertain significance for GRIN2D-related condition. Last evaluated: 2023-04-06. Review status: criteria provided, single submitter. Criteria: ACMG Guidelines, 2015. Collection method: clinical testing. Allele origin: germline.
Comment: The GRIN2D c.3812C>G variant is predicted to result in the amino acid substitution p.Ser1271Trp. To our knowledge, this variant has not been reported in the literature or in a large population database, indicating it is rare. A different missense variant affecting the same amino acid (p.Ser1271Leu) was reported in an individual with epilepsy and developmental delay, and in vitro studies indicated it causes a reduction in ion channel function (XiangWei. 2019. PubMed ID: 31504254). Although we suspect that the c.3812C>G (p.Ser1271Trp) variant may be pathogenic, at this time, the clinical significance is uncertain due to the absence of conclusive functional and genetic evidence.

NM_000836.4(GRIN2D):c.3812C>G (p.Ser1271Trp)

Gene: GRIN2D (glutamate ionotropic receptor NMDA type subunit 2D; plus strand). Cytogenetic location: 19q13.33.
Variant type: single nucleotide variant.
Coding change: c.3812C>G on transcript NM_000836.4 (MANE Select); coding-DNA position 3812, C replaced by G.
Protein change: p.Ser1271Trp; replaces serine 1271 with tryptophan.
Molecular consequence: missense variant.
Genome position (GRCh38, 1-based): chr19:48,443,738, C>G. VCF-style: chr19-48443738-C-G. GRCh37 (hg19) VCF-style: chr19-48946995-C-G.
Other names: short protein forms S1271W.
Identifiers: ClinVar variation 2633829 (VCV002633829.1), dbSNP rs1971341588, ClinGen allele CA406678363.